The following is an entry in ClinVar:

NM_012295.4(CABIN1):c.5968C>G (p.Gln1990Glu)

Gene: CABIN1 (calcineurin binding protein 1; plus strand). Cytogenetic location: 22q11.23.
Variant type: single nucleotide variant.
Coding change: c.5968C>G on transcript NM_012295.4 (MANE Select); coding-DNA position 5968, C replaced by G.
Protein change: p.Gln1990Glu; replaces glutamine 1990 with glutamic acid.
Molecular consequence: missense variant.
Genome position (GRCh38, 1-based): chr22:24,171,923, C>G. VCF-style: chr22-24171923-C-G. GRCh37 (hg19) VCF-style: chr22-24567891-C-G.
Other names: c.5968C>G, p.Gln1990Glu (NM_001199281.1); c.5818C>G, p.Gln1940Glu (NM_001201429.2); short protein forms Q1940E, Q1990E.
Identifiers: ClinVar variation 788630 (VCV000788630.6), dbSNP rs142021680, ClinGen allele CA10149908.
Genomic context (GRCh38, chr22:24,171,923, plus strand): 5'-CTAGCTGCCGCCACAACTATTATCACCTGCCCTCCGTCAGCATCAGCTTCCACCCTGGAC[C>G]AGTCCAAGGACCCTGGGCCTCCCCGGCCACACAGGCCTGAAGCTACCCCCAGCATGGCCT-3'
Protein context (NP_036427.1, residues 1980-2000): PPSASASTLD[Gln1990Glu]SKDPGPPRPH

ClinVar aggregate classification (germline): Benign. Review status: criteria provided, multiple submitters, no conflicts (2 of 4 stars). 3 submissions from 3 submitters: Benign (2). 1 of the submissions does not count toward it. Last evaluated 2018-04-20.

Conditions:
CABIN1-related disorder. Also called: CABIN1-related condition.

Allele frequency attached by ClinVar (database versions not stated): gnomAD exomes 0.00079 and 0.00218; ExAC 0.00281; gnomAD 0.00882 and 0.00947; TOPMed 0.00955; ESP Exome Variant Server 0.01015; 1000 Genomes Project 0.01038; 1000 Genomes Project 30x 0.01062.
gnomAD v4.1: 2,549 of 1,613,962 alleles (0.16%); highest among the groups gnomAD compares: African/African-American, 3%; 30 homozygotes.

Submissions (3):

Labcorp Genetics (formerly Invitae), Labcorp
Classification: Benign. Last evaluated: 2018-04-20. Review status: criteria provided, single submitter. Criteria: Invitae Variant Classification Sherloc (09022015). Collection method: clinical testing. Allele origin: germline.

Breakthrough Genomics
Classification: Benign. Review status: criteria provided, single submitter. Criteria: ACMG Guidelines, 2015. Collection method: not provided. Allele origin: germline. Inheritance: Unknown mechanism. Affected: yes.

PreventionGenetics, part of Exact Sciences
Classification: Benign for CABIN1-related condition. Last evaluated: 2019-05-01. Review status: no assertion criteria provided. Collection method: clinical testing. Allele origin: germline. Not counted in ClinVar's aggregate classification.
Comment: This variant is classified as benign based on ACMG/AMP sequence variant interpretation guidelines (Richards et al. 2015 PMID: 25741868, with internal and published modifications).